The following is an entry in ClinVar:

NM_018699.4(PRDM5):c.503_506del (p.Ala168fs)

Gene: PRDM5 (PR/SET domain 5; minus strand). Cytogenetic location: 4q27.
Variant type: Deletion.
Coding change: c.503_506del on transcript NM_018699.4 (MANE Select); coding-DNA positions 503 to 506, 4 bases deleted (CTTG; older notation c.503_506delCTTG).
Protein change: p.Ala168fs; shifts the reading frame from alanine 168.
Molecular consequence: frameshift variant.
Genome position (GRCh38, 1-based): chr4:120,818,497-120,818,500, CAAG deleted on the plus strand (CTTG on the coding strand, the reverse complement: PRDM5 is on the minus strand); deleting any 4 consecutive bases within chr4:120,818,497-120,818,502 gives the same sequence; the c. name uses the placement nearest the transcript's 3' end. VCF-style (leftmost placement, unchanged base first): chr4-120818496-ACAAG-A. GRCh37 (hg19) VCF-style: chr4-121739651-ACAAG-A.
Other names: c.503_506del, p.Ala168fs (NM_001300823.2, NM_001300824.2, NM_001379104.1 and 1 more transcripts); short protein forms A168fs.
Identifiers: ClinVar variation 3641590 (VCV003641590.2).

ClinVar aggregate classification (germline): Pathogenic (1 of 4 stars; one submission).

Submission:

Labcorp Genetics (formerly Invitae), Labcorp
Classification: Pathogenic. Last evaluated: 2024-06-16. Review status: criteria provided, single submitter. Criteria: Invitae Variant Classification Sherloc (09022015). Collection method: clinical testing. Allele origin: germline.
Comment: This sequence change creates a premature translational stop signal (p.Ala168Valfs*59) in the PRDM5 gene. It is expected to result in an absent or disrupted protein product. Loss-of-function variants in PRDM5 are known to be pathogenic (PMID: 21664999, 26395458). This variant is not present in population databases (gnomAD no frequency). This variant has not been reported in the literature in individuals affected with PRDM5-related conditions. For these reasons, this variant has been classified as Pathogenic.

Literature cited by the submitters: PubMed 21664999; PubMed 26395458.